The following is an entry in ClinVar:

ClinVar aggregate classification (germline): Uncertain significance (1 of 4 stars; one submission).

Submission:

GeneDx
Classification: Uncertain significance. Last evaluated: 2026-02-09. Review status: criteria provided, single submitter. Criteria: GeneDx Variant Classification Process June 2021. Collection method: clinical testing. Allele origin: germline.
Comment: In silico analysis supports a deleterious effect on splicing; No data available from ethnically-matched control populations to assess the frequency of this variant; Has not been previously published as pathogenic or benign to our knowledge

NM_001042492.3(NF1):c.5812+122T>A

Gene: NF1 (neurofibromin 1; plus strand). Cytogenetic location: 17q11.2.
Variant type: single nucleotide variant.
Coding change: c.5812+122T>A on transcript NM_001042492.3 (MANE Select); 122 bases into the intron after coding-DNA position 5812, T replaced by A.
Molecular consequence: intron variant.
Genome position (GRCh38, 1-based): chr17:31,330,620, T>A. VCF-style: chr17-31330620-T-A. GRCh37 (hg19) VCF-style: chr17-29657638-T-A.
Other names: c.5749+122T>A (NM_000267.4).
Identifiers: ClinVar variation 4976249 (VCV004976249.1).